The following is an entry in ClinVar:

NM_012338.4(TSPAN12):c.41T>G (p.Leu14Arg)

Gene: TSPAN12 (tetraspanin 12; minus strand). Cytogenetic location: 7q31.31.
Variant type: single nucleotide variant.
Coding change: c.41T>G on transcript NM_012338.4 (MANE Select); coding-DNA position 41, T replaced by G.
Protein change: p.Leu14Arg; replaces leucine 14 with arginine.
Molecular consequence: missense variant.
Genome position (GRCh38, 1-based): chr7:120,856,723, A>C on the plus strand (T>G on the coding strand, the complement: TSPAN12 is on the minus strand). VCF-style: chr7-120856723-A-C. GRCh37 (hg19) VCF-style: chr7-120496777-A-C.
Other names: c.41T>G (NM_012338.3); short protein forms L14R.
Identifiers: ClinVar variation 1364311 (VCV001364311.10), dbSNP rs1185191740, ClinGen allele CA369133433.

ClinVar aggregate classification (germline): Uncertain significance. Review status: criteria provided, multiple submitters, no conflicts (2 of 4 stars). 3 submissions from 3 submitters: Uncertain significance (3). Last evaluated 2023-10-05.

Conditions:
Inborn genetic diseases. Identifiers: MedGen C0950123, MeSH D030342.

Allele frequency attached by ClinVar (database versions not stated): gnomAD exomes below 0.00001.
gnomAD v4.1: 1 of 1,614,224 alleles (0.000062%); highest among the groups gnomAD compares: Non-Finnish European, 0.000085%; no homozygotes.

Submissions (3):

Labcorp Genetics (formerly Invitae), Labcorp
Classification: Uncertain significance. Last evaluated: 2023-10-05. Review status: criteria provided, single submitter. Criteria: Invitae Variant Classification Sherloc (09022015). Collection method: clinical testing. Allele origin: germline.
Comment: This sequence change replaces leucine, which is neutral and non-polar, with arginine, which is basic and polar, at codon 14 of the TSPAN12 protein (p.Leu14Arg). This variant is present in population databases (no rsID available, gnomAD no frequency). This variant has not been reported in the literature in individuals affected with TSPAN12-related conditions. ClinVar contains an entry for this variant (Variation ID: 1364311). Advanced modeling of protein sequence and biophysical properties (such as structural, functional, and spatial information, amino acid conservation, physicochemical variation, residue mobility, and thermodynamic stability) performed at Invitae indicates that this missense variant is expected to disrupt TSPAN12 protein function. In summary, the available evidence is currently insufficient to determine the role of this variant in disease. Therefore, it has been classified as a Variant of Uncertain Significance.

Ambry Genetics
Classification: Uncertain significance for Inborn genetic diseases. Last evaluated: 2023-06-16. Review status: criteria provided, single submitter. Criteria: Ambry Variant Classification Scheme 2023. Collection method: clinical testing. Allele origin: germline.

Blueprint Genetics
Classification: Uncertain significance. Last evaluated: 2022-02-22. Review status: criteria provided, single submitter. Criteria: ACMG Guidelines, 2015. Collection method: clinical testing. Allele origin: germline.